The following is an entry in ClinVar:

NM_001128840.3(CACNA1D):c.3748G>C (p.Val1250Leu)

Gene: CACNA1D (calcium voltage-gated channel subunit alpha1 D; plus strand). Cytogenetic location: 3p21.1.
Variant type: single nucleotide variant.
Coding change: c.3748G>C on transcript NM_001128840.3 (MANE Select); coding-DNA position 3748, G replaced by C.
Protein change: p.Val1250Leu; replaces valine 1250 with leucine.
Molecular consequence: missense variant.
Genome position (GRCh38, 1-based): chr3:53,753,644, G>C. VCF-style: chr3-53753644-G-C. GRCh37 (hg19) VCF-style: chr3-53787671-G-C.
Other names: c.3808G>C, p.Val1270Leu (NM_000720.4); c.3748G>C, p.Val1250Leu (NM_001128839.3); short protein forms V1270L, V1250L.
Identifiers: ClinVar variation 1934543 (VCV001934543.5), dbSNP rs748437057, ClinGen allele CA353251759.
Genomic context (GRCh38, chr3:53,753,644, plus strand): 5'-TCCAAGATGTTCAATGATGCCATGGACATTCTGAACATGGTCTTCACCGGGGTGTTCACC[G>C]TCGAGATGGTTTTGAAAGTCATCGCATTTAAGCCTAAGGTGAGTTGCAGAACCCACTTTT-3'
Protein context (NP_001122312.1, residues 1240-1260): LNMVFTGVFT[Val1250Leu]EMVLKVIAFK

ClinVar aggregate classification (germline): Uncertain significance (1 of 4 stars; one submission).

gnomAD v4.1: 2 of 1,613,292 alleles (0.00012%); highest among the groups gnomAD compares: Admixed American, 0.0017%; no homozygotes.

Submission:

Labcorp Genetics (formerly Invitae), Labcorp
Classification: Uncertain significance. Last evaluated: 2025-10-01. Review status: criteria provided, single submitter. Criteria: Invitae Variant Classification Sherloc (09022015). Collection method: clinical testing. Allele origin: germline.
Comment: This sequence change replaces valine, which is neutral and non-polar, with leucine, which is neutral and non-polar, at codon 1270 of the CACNA1D protein (p.Val1270Leu). This variant is present in population databases (no rsID available, gnomAD 0.003%). This variant has not been reported in the literature in individuals affected with CACNA1D-related conditions. ClinVar contains an entry for this variant (Variation ID: 1934543). Invitae Evidence Modeling of protein sequence and biophysical properties (such as structural, functional, and spatial information, amino acid conservation, physicochemical variation, residue mobility, and thermodynamic stability) indicates that this missense variant is not expected to disrupt CACNA1D protein function with a negative predictive value of 80%. In summary, the available evidence is currently insufficient to determine the role of this variant in disease. Therefore, it has been classified as a Variant of Uncertain Significance.